The following is an entry in ClinVar:

NM_017802.4(DNAAF5):c.510_511delinsAA (p.Leu171Met)

Genes: DNAAF5 (dynein axonemal assembly factor 5; plus strand), PRKAR1B (protein kinase cAMP-dependent type I regulatory subunit beta; minus strand), LOC129997731 (ATAC-STARR-seq lymphoblastoid silent region 17817; plus strand). Cytogenetic location: 7p22.3.
Variant type: Indel.
Coding change: c.510_511delinsAA on transcript NM_017802.4 (MANE Select); coding-DNA positions 510 to 511, GC replaced by AA.
Protein change: p.Leu171Met; replaces leucine 171 with methionine.
Molecular consequence: missense variant. On other transcripts: non-coding transcript variant (1), 5 prime UTR variant (1), intron variant (2).
Genome position (GRCh38, 1-based): chr7:727,230-727,231, GC replaced by AA. VCF-style: chr7-727230-GC-AA. GRCh37 (hg19) VCF-style: chr7-766867-GC-AA.
Other names: c.-44_-43delinsTT (NM_001164760.2); c.-23+424_-23+425delinsTT (NM_001164759.1); c.-23+359_-23+360delinsTT (NM_001164758.2); short protein forms L171M.
Identifiers: ClinVar variation 4762383 (VCV004762383.1).
Genomic context (GRCh38, chr7:727,230, plus strand): 5'-CCTGGCCGTGGACCTGTGCGGCGCCGCGCTCGCGCCCCACCTGGACGACGCTCTGCGCGC[GC>AA]TGCGCTGCTCCCTGCTCGACCCCTTCGCCGCCGTGCGCCGCGAGAGCTGCAGCTGCGCCG-3'
Protein context (NP_060272.3, residues 161-181): APHLDDALRA[Leu171Met]RCSLLDPFAA

ClinVar aggregate classification (germline): Uncertain significance (1 of 4 stars; one submission).

Conditions:
Primary ciliary dyskinesia. Also called: Ciliary dyskinesia. Identifiers: Orphanet 244, MedGen C0008780, MONDO:0016575, HP:0012265.

Submission:

Labcorp Genetics (formerly Invitae), Labcorp
Classification: Uncertain significance for Primary ciliary dyskinesia. Last evaluated: 2025-05-27. Review status: criteria provided, single submitter. Criteria: Invitae Variant Classification Sherloc (09022015). Collection method: clinical testing. Allele origin: germline.
Comment: This sequence change replaces leucine, which is neutral and non-polar, with methionine, which is neutral and non-polar, at codon 171 of the DNAAF5 protein (p.Leu171Met). Information on the frequency of this variant in the gnomAD database is not available, as this variant may be reported differently in the database. This missense change has been observed in individual(s) with clinical features of primary ciliary dyskinesia (internal data). Experimental studies and prediction algorithms are not available or were not evaluated, and the functional significance of this variant is currently unknown. In summary, the available evidence is currently insufficient to determine the role of this variant in disease. Therefore, it has been classified as a Variant of Uncertain Significance.